The following is an entry in ClinVar:

ClinVar aggregate classification (germline): Likely benign. Review status: criteria provided, multiple submitters, no conflicts (2 of 4 stars). 5 submissions from 5 submitters: Likely benign (5). Last evaluated 2025-12-24.

Conditions:
Bone mineral density quantitative trait locus 1 (BMND1). Identifiers: MedGen C1866079, OMIM 601884.
Worth disease. Also called: ENDOSTEAL HYPEROSTOSIS, AUTOSOMAL DOMINANT; OSTEOSCLEROSIS, AUTOSOMAL DOMINANT; Autosomal dominant osteosclerosis, Worth type. Identifiers: Orphanet 2790, MedGen C0432273, MONDO:0007764, OMIM 144750.
Polycystic liver disease 4 with or without kidney cysts. Identifiers: MedGen C4693479, MONDO:0044327, OMIM 617875.
Osteoporosis. Identifiers: MedGen C0029456, MONDO:0005298, OMIM 166710, HP:0000939.
Exudative vitreoretinopathy 4 (EVR4). Identifiers: Orphanet 891, MedGen C1866176, MONDO:0011151, OMIM 601813.
Exudative vitreoretinopathy 1 (EVR1). Also called: FEVR, AUTOSOMAL DOMINANT; Familial exudative vitreoretinopathy, autosomal dominant; CRISWICK-SCHEPENS SYNDROME. Identifiers: Orphanet 891, Orphanet 90050, MedGen C1851402, MONDO:0007589, OMIM 133780.
Autosomal dominant osteopetrosis 1 (OPTA1). Also called: OSTEOPETROSIS, AUTOSOMAL DOMINANT, TYPE I. Identifiers: Orphanet 2783, MedGen C1843330, MONDO:0011877, OMIM 607634.
Osteoporosis with pseudoglioma (OPPG). Also called: osteoporosis-pseudoglioma syndrome. Identifiers: Orphanet 2788, MedGen C0432252, MONDO:0009820, OMIM 259770.

Allele frequency attached by ClinVar (database versions not stated): ExAC 0.00015; TOPMed 0.00017; gnomAD exomes 0.00019 and 0.00020; gnomAD 0.00021; ESP Exome Variant Server 0.00038.
gnomAD v4.1: 323 of 1,614,110 alleles (0.02%); highest among the groups gnomAD compares: Admixed American, 0.06%; no homozygotes.

Submissions (5):

Labcorp Genetics (formerly Invitae), Labcorp
Classification: Likely benign. Last evaluated: 2025-12-24. Review status: criteria provided, single submitter. Criteria: Invitae Variant Classification Sherloc (09022015). Collection method: clinical testing. Allele origin: germline.

CeGaT Center for Human Genetics Tuebingen
Classification: Likely benign. Last evaluated: 2025-06-01. Review status: criteria provided, single submitter. Criteria: CeGaT Center For Human Genetics Tuebingen Variant Classification Criteria Version 2. Collection method: clinical testing. Allele origin: germline. Affected: yes. Observed: 1 variant allele.
Comment: LRP5: BP4, BP7

Blueprint Genetics
Classification: Likely benign. Last evaluated: 2024-10-31. Review status: criteria provided, single submitter. Criteria: ACMG Guidelines, 2015. Collection method: clinical testing. Allele origin: germline.

Fulgent Genetics
Classification: Likely benign for Exudative vitreoretinopathy 1; Worth disease; Osteoporosis; Osteoporosis with pseudoglioma; Exudative vitreoretinopathy 4; Bone mineral density quantitative trait locus 1; Autosomal dominant osteopetrosis 1; Polycystic liver disease 4 with or without kidney cysts. Last evaluated: 2021-11-23. Review status: criteria provided, single submitter. Criteria: ACMG Guidelines, 2015. Collection method: clinical testing. Allele origin: unknown.

Breakthrough Genomics
Classification: Likely benign. Review status: criteria provided, single submitter. Criteria: ACMG Guidelines, 2015. Collection method: not provided. Allele origin: germline. Inheritance: Autosomal recessive inheritance. Affected: yes.

NM_002335.4(LRP5):c.1605G>A (p.Thr535=)

Gene: LRP5 (LDL receptor related protein 5; plus strand). Cytogenetic location: 11q13.2.
Variant type: single nucleotide variant.
Coding change: c.1605G>A on transcript NM_002335.4 (MANE Select); coding-DNA position 1605, G replaced by A.
Protein change: p.Thr535=; no amino-acid change (threonine 535 retained).
Molecular consequence: synonymous variant. On other transcripts: 5 prime UTR variant (1).
Genome position (GRCh38, 1-based): chr11:68,403,503, G>A. VCF-style: chr11-68403503-G-A. GRCh37 (hg19) VCF-style: chr11-68170971-G-A.
Other names: c.-333G>A (NM_001291902.2).
Identifiers: ClinVar variation 745221 (VCV000745221.24), dbSNP rs141896162, ClinGen allele CA6149387.
Genomic context (GRCh38, chr11:68,403,503, plus strand): 5'-GCCCTGGCCCATCCAGACCTATATTTCTGCCGTCCTGCAGGTGATCAATGTTGATGGGAC[G>A]AAGAGGCGGACCCTCCTGGAGGACAAGCTCCCGCACATTTTTGGGTTCACGCTGCTGGGG-3'
Protein context (NP_002326.2, residues 525-545): DKIEVINVDG[Thr535=]KRRTLLEDKL